The following is an entry in ClinVar:

NM_153704.6(TMEM67):c.79C>T (p.Leu27=)

Gene: TMEM67 (transmembrane protein 67; plus strand). Cytogenetic location: 8q22.1.
Variant type: single nucleotide variant.
Coding change: c.79C>T on transcript NM_153704.6 (MANE Select); coding-DNA position 79, C replaced by T.
Protein change: p.Leu27=; no amino-acid change (leucine 27 retained).
Molecular consequence: synonymous variant. On other transcripts: non-coding transcript variant (1), intron variant (1).
Genome position (GRCh38, 1-based): chr8:93,754,993, C>T. VCF-style: chr8-93754993-C-T. GRCh37 (hg19) VCF-style: chr8-94767221-C-T.
Other names: c.-179-27C>T (NM_001142301.1); c.79C>T (NM_153704.5).
Identifiers: ClinVar variation 1592263 (VCV001592263.9), dbSNP rs763698200, ClinGen allele CA4807512.

ClinVar aggregate classification (germline): Likely benign. Review status: criteria provided, multiple submitters, no conflicts (2 of 4 stars). 2 submissions from 2 submitters: Likely benign (2). Last evaluated 2026-07-09.

Conditions:
TMEM67-related disorder. Also called: TMEM67-related condition; TMEM67-related disorders. Identifiers: MedGen CN239423.
Joubert syndrome. Also called: Familial aplasia of the vermis; JOUBERT-BOLTSHAUSER SYNDROME. Identifiers: Orphanet 475, MedGen C5979921, MONDO:0018772.
Meckel-Gruber syndrome. Also called: Dysencephalia splachnocystica; DYSENCEPHALIA SPLANCHNOCYSTICA; GRUBER SYNDROME. Identifiers: Orphanet 564, MedGen C0265215, MONDO:0018921.

Allele frequency attached by ClinVar (database versions not stated): gnomAD 0.00001; ExAC 0.00002; TOPMed 0.00003; gnomAD exomes 0.00004.
gnomAD v4.1: 7 of 1,614,122 alleles (0.00043%); highest among the groups gnomAD compares: East Asian, 0.013%; no homozygotes.

Submissions (2):

PreventionGenetics, part of Exact Sciences
Classification: Likely benign for TMEM67-related condition. Last evaluated: 2026-07-09. Review status: criteria provided, single submitter. Criteria: ACMG Guidelines, 2015. Collection method: clinical testing. Allele origin: germline.
Comment: This variant is classified as likely benign based on ACMG/AMP sequence variant interpretation guidelines (Richards et al. 2015 PMID: 25741868, with internal and published modifications).

Labcorp Genetics (formerly Invitae), Labcorp
Classification: Likely benign for Joubert syndrome; Meckel-Gruber syndrome. Last evaluated: 2025-12-19. Review status: criteria provided, single submitter. Criteria: Invitae Variant Classification Sherloc (09022015). Collection method: clinical testing. Allele origin: germline.